The following is an entry in ClinVar:

ClinVar aggregate classification (germline): Uncertain significance (1 of 4 stars; one submission).

Conditions:
VPS13A-related neurodegenerative disease. Also called: Choreoacanthocytosis; Chorea-acanthocytosis; LEVINE-CRITCHLEY SYNDROME; VPS13A Disease; Choreaacanthocytosis; ACANTHOCYTOSIS WITH NEUROLOGIC DISORDER. Identifiers: Orphanet 2388, MedGen C0393576, MONDO:0008695, OMIM 200150.

Submission:

Myriad Genetics, Inc.
Classification: Uncertain significance for VPS13A-related neurodegenerative disease. Last evaluated: 2025-10-31. Review status: criteria provided, single submitter. Criteria: Myriad Autosomal Dominant, Autosomal Recessive and X-Linked Classification Criteria (2023). Collection method: clinical testing. Allele origin: unknown.
Comment: NM_033305.2(VPS13A):c.7844_7849del6(L2615_Q2616del) is an in-frame deletion classified as a variant of uncertain significance in the context of VPS13A disease. L2615_Q2616del has not been observed in cases with relevant disease. Relevant functional assessments of this variant are not available in the literature. L2615_Q2616del has not been observed in referenced population frequency databases. In summary, there is insufficient evidence to classify NM_033305.2(VPS13A):c.7844_7849del6(L2615_Q2616del) as pathogenic or benign. Please note: this variant was assessed in the context of healthy population screening.

NM_033305.3(VPS13A):c.7844_7849del (p.Leu2615_Gln2616del)

Gene: VPS13A (vacuolar protein sorting 13 homolog A; plus strand). Cytogenetic location: 9q21.2.
Variant type: Deletion.
Coding change: c.7844_7849del on transcript NM_033305.3 (MANE Select); coding-DNA positions 7844 to 7849, 6 bases deleted (TGCAGC; older notation c.7844_7849delTGCAGC).
Protein change: p.Leu2615_Gln2616del.
Molecular consequence: inframe deletion.
Genome position (GRCh38, 1-based): chr9:77,357,729-77,357,734, TGCAGC deleted; deleting any 6 consecutive bases within chr9:77,357,728-77,357,734 gives the same sequence; the c. name uses the placement nearest the transcript's 3' end. VCF-style (leftmost placement, unchanged base first): chr9-77357727-TCTGCAG-T. GRCh37 (hg19) VCF-style: chr9-79972643-TCTGCAG-T.
Other names: c.7727_7732del, p.Leu2576_Gln2577del (NM_001018037.2); c.7844_7849del, p.Leu2615_Gln2616del (NM_001018038.3, NM_015186.4).
Identifiers: ClinVar variation 5004264 (VCV005004264.1).